The following is an entry in ClinVar:

NM_024675.4(PALB2):c.2120C>T (p.Pro707Leu)

Gene: PALB2 (partner and localizer of BRCA2; minus strand). Cytogenetic location: 16p12.2.
Variant type: single nucleotide variant.
Coding change: c.2120C>T on transcript NM_024675.4 (MANE Select); coding-DNA position 2120, C replaced by T.
Protein change: p.Pro707Leu; replaces proline 707 with leucine.
Molecular consequence: missense variant.
Genome position (GRCh38, 1-based): chr16:23,630,034, G>A on the plus strand (C>T on the coding strand, the complement: PALB2 is on the minus strand). VCF-style: chr16-23630034-G-A. GRCh37 (hg19) VCF-style: chr16-23641355-G-A.
Other names: short protein forms P707L.
Identifiers: ClinVar variation 530038 (VCV000530038.18), dbSNP rs1363384297, ClinGen allele CA395125757.

ClinVar aggregate classification (germline): Uncertain significance. Review status: criteria provided, multiple submitters, no conflicts (2 of 4 stars). 5 submissions from 5 submitters: Uncertain significance (5). Last evaluated 2026-09-15.

Conditions:
PALB2-related disorder. Also called: PALB2-related disorders; PALB2-related condition.
Familial cancer of breast. Also called: BREAST CANCER, FAMILIAL; hereditary breast carcinoma; Hereditary breast cancer. Identifiers: Orphanet 227535, MedGen C0346153, MONDO:0016419, OMIM 114480. Disease mechanism: loss of function.
PALB2-related cancer predisposition. Identifiers: MedGen CN377761, MONDO:0700272.
Hereditary cancer-predisposing syndrome. Also called: Neoplastic Syndromes, Hereditary; Hereditary Cancer Syndrome; Tumor predisposition; Hereditary neoplastic syndrome. Identifiers: Orphanet 140162, MedGen C0027672, MeSH D009386, MONDO:0015356.

Allele frequency attached by ClinVar (database versions not stated): gnomAD exomes below 0.00001; TOPMed below 0.00001.
gnomAD v4.1: 2 of 1,614,136 alleles (0.00012%); highest among the groups gnomAD compares: Non-Finnish European, 0.00017%; no homozygotes.

Submissions (5):

PreventionGenetics, part of Exact Sciences
Classification: Uncertain significance for PALB2-related condition. Last evaluated: 2026-09-15. Review status: criteria provided, single submitter. Criteria: ACMG Guidelines, 2015. Collection method: clinical testing. Allele origin: germline.
Comment: The PALB2 c.2120C>T variant is predicted to result in the amino acid substitution p.Pro707Leu. This variant was reported in an individual with breast and/or ovarian cancer (Gonzalez et al. 2022. PubMed ID: 35610400). It is reported in 0.00088% of alleles in individuals of European (Non-Finnish) descent in gnomAD and is classified as uncertain in ClinVar (Variation ID: 530038). Experimental studies indicate this variant does not impact PALB2 protein function (Boonen et al. 2019. PubMed ID: 31757951). At this time, the clinical significance of this variant is uncertain due to the absence of conclusive functional and genetic evidence.

Hema, HEMA – Genetic and Molecular Diagnostic Laboratory
Classification: Uncertain significance for PALB2-related cancer predisposition. Last evaluated: 2025-11-06. Review status: criteria provided, single submitter. Criteria: HEMA Variant Classification Assertion Criteria. Collection method: clinical testing. Allele origin: germline.
Comment: The c.2120C>T variant is a transition from guanine to adenine, resulting in the substitution of proline 707 with leucine in the PALB2 protein. PM2_Supporting: Present at very low frequency in the gnomAD v4.1.0 database. BP1: Missense variant in PALB2, a gene in which pathogenic variants are primarily truncations.

Ambry Genetics
Classification: Uncertain significance for Hereditary cancer-predisposing syndrome. Last evaluated: 2025-08-02. Review status: criteria provided, single submitter. Criteria: Ambry Variant Classification Scheme 2023. Collection method: clinical testing. Allele origin: germline.
Comment: The p.P707L variant (also known as c.2120C>T), located in coding exon 5 of the PALB2 gene, results from a C to T substitution at nucleotide position 2120. The proline at codon 707 is replaced by leucine, an amino acid with similar properties. This alteration was found to be functionally normal in multiple assays including homology-directed DNA repair (HDR), sensitivity to PARP inhibitor and cisplatin sensitivity (Boonen RACM et al. Nat Commun, 2019 11;10:5296). This amino acid position is highly conserved in available vertebrate species. In addition, the in silico prediction for this alteration is inconclusive. Since supporting evidence is limited at this time, the clinical significance of this alteration remains unclear.

Baylor Genetics
Classification: Uncertain significance for Familial cancer of breast. Last evaluated: 2023-06-09. Review status: criteria provided, single submitter. Criteria: ACMG Guidelines, 2015. Collection method: clinical testing. Allele origin: unknown.

Labcorp Genetics (formerly Invitae), Labcorp
Classification: Uncertain significance for Familial cancer of breast. Last evaluated: 2022-12-02. Review status: criteria provided, single submitter. Criteria: Invitae Variant Classification Sherloc (09022015). Collection method: clinical testing. Allele origin: germline.
Comment: This sequence change replaces proline, which is neutral and non-polar, with leucine, which is neutral and non-polar, at codon 707 of the PALB2 protein (p.Pro707Leu). This variant is present in population databases (no rsID available, gnomAD 0.002%). In summary, the available evidence is currently insufficient to determine the role of this variant in disease. Therefore, it has been classified as a Variant of Uncertain Significance. ClinVar contains an entry for this variant (Variation ID: 530038). Advanced modeling of protein sequence and biophysical properties (such as structural, functional, and spatial information, amino acid conservation, physicochemical variation, residue mobility, and thermodynamic stability) performed at Invitae indicates that this missense variant is expected to disrupt PALB2 protein function. This variant has not been reported in the literature in individuals affected with PALB2-related conditions.

Literature cited by the submitters: PubMed 31757951 (cited by Ambry Genetics).